The following is an entry in ClinVar:

NM_000059.4(BRCA2):c.1664del (p.Pro555fs)

Gene: BRCA2 (BRCA2 DNA repair associated; plus strand). Cytogenetic location: 13q13.1.
Variant type: Deletion.
Coding change: c.1664del on transcript NM_000059.4 (MANE Select); coding-DNA position 1664, one base deleted (C; older notation c.1664delC).
Protein change: p.Pro555fs; shifts the reading frame from proline 555.
Molecular consequence: frameshift variant. On other transcripts: non-coding transcript variant (1), intron variant (1).
Genome position (GRCh38, 1-based): chr13:32,333,142, C deleted; the last of 2 consecutive C bases (chr13:32,333,141-32,333,142); deleting either gives the same sequence. VCF-style (leftmost placement, unchanged base first): chr13-32333140-TC-T. GRCh37 (hg19) VCF-style: chr13-32907277-TC-T.
Other names: c.1664del, p.Pro555fs (NM_001406719.1, NM_001406720.1, NM_001406721.1); c.424+2112del (NM_001406722.1); short protein forms P555fs.
Identifiers: ClinVar variation 3148589 (VCV003148589.1), dbSNP rs2548520754, ClinGen allele CA2825002123.

ClinVar aggregate classification (germline): Pathogenic (1 of 4 stars; one submission).

Conditions:
Breast-ovarian cancer, familial, susceptibility to, 2 (BROVCA2). Also called: BRCA2 Hereditary Breast and Ovarian Cancer. Identifiers: Orphanet 145, MedGen C2675520, MONDO:0012933, OMIM 612555. Disease mechanism: loss of function.

Submission:

Myriad Genetics, Inc.
Classification: Pathogenic for Breast-ovarian cancer, familial, susceptibility to, 2. Last evaluated: 2023-12-29. Review status: criteria provided, single submitter. Criteria: Myriad Autosomal Dominant, Autosomal Recessive and X-Linked Classification Criteria (2023). Collection method: clinical testing. Allele origin: unknown.
Comment: This variant is considered pathogenic. This variant creates a frameshift predicted to result in premature protein truncation.